The following is an entry in ClinVar:

NM_004525.3(LRP2):c.10342A>G (p.Thr3448Ala)

Gene: LRP2 (LDL receptor related protein 2; minus strand). Cytogenetic location: 2q31.1.
Variant type: single nucleotide variant.
Coding change: c.10342A>G on transcript NM_004525.3 (MANE Select); coding-DNA position 10342, A replaced by G.
Protein change: p.Thr3448Ala; replaces threonine 3448 with alanine.
Molecular consequence: missense variant.
Genome position (GRCh38, 1-based): chr2:169,177,854, T>C on the plus strand (A>G on the coding strand, the complement: LRP2 is on the minus strand). VCF-style: chr2-169177854-T-C. GRCh37 (hg19) VCF-style: chr2-170034364-T-C.
Other names: short protein forms T3448A.
Identifiers: ClinVar variation 2787810 (VCV002787810.3), dbSNP rs1687257912, ClinGen allele CA349148871.

ClinVar aggregate classification (germline): Uncertain significance (1 of 4 stars; one submission).

Submission:

Labcorp Genetics (formerly Invitae), Labcorp
Classification: Uncertain significance. Last evaluated: 2023-08-11. Review status: criteria provided, single submitter. Criteria: Invitae Variant Classification Sherloc (09022015). Collection method: clinical testing. Allele origin: germline.
Comment: This variant is not present in population databases (gnomAD no frequency). This sequence change replaces threonine, which is neutral and polar, with alanine, which is neutral and non-polar, at codon 3448 of the LRP2 protein (p.Thr3448Ala). This variant has not been reported in the literature in individuals affected with LRP2-related conditions. Advanced modeling of protein sequence and biophysical properties (such as structural, functional, and spatial information, amino acid conservation, physicochemical variation, residue mobility, and thermodynamic stability) performed at Invitae indicates that this missense variant is not expected to disrupt LRP2 protein function. In summary, the available evidence is currently insufficient to determine the role of this variant in disease. Therefore, it has been classified as a Variant of Uncertain Significance.